The following is an entry in ClinVar:

NM_000388.4(CASR):c.412A>G (p.Thr138Ala)

Gene: CASR (calcium sensing receptor; plus strand). Cytogenetic location: 3q21.1.
Variant type: single nucleotide variant.
Coding change: c.412A>G on transcript NM_000388.4 (MANE Select); coding-DNA position 412, A replaced by G.
Protein change: p.Thr138Ala; replaces threonine 138 with alanine.
Molecular consequence: missense variant.
Genome position (GRCh38, 1-based): chr3:122,257,307, A>G. VCF-style: chr3-122257307-A-G. GRCh37 (hg19) VCF-style: chr3-121976154-A-G.
Other names: c.412A>G, p.Thr138Ala (NM_001178065.2); short protein forms T138A.
Identifiers: ClinVar variation 2925897 (VCV002925897.3), dbSNP rs2473215009, ClinGen allele CA354362850.

ClinVar aggregate classification (germline): Uncertain significance (1 of 4 stars; one submission).

Conditions:
Autosomal dominant hypocalcemia 1 (HYPOC1). Also called: HYPOCALCEMIA, FAMILIAL. Identifiers: MedGen C3715128, MONDO:0011013, OMIM 601198.
Familial hypocalciuric hypercalcemia (FHH). Also called: Familial benign hypercalcemia. Identifiers: Orphanet 405, MedGen C1809471, MONDO:0018458.

Submission:

Labcorp Genetics (formerly Invitae), Labcorp
Classification: Uncertain significance for Familial hypocalciuric hypercalcemia; Autosomal dominant hypocalcemia 1. Last evaluated: 2023-05-31. Review status: criteria provided, single submitter. Criteria: Invitae Variant Classification Sherloc (09022015). Collection method: clinical testing. Allele origin: germline.
Comment: An algorithm developed to predict the effect of missense changes on protein structure and function (PolyPhen-2) suggests that this variant is likely to be disruptive. This variant has not been reported in the literature in individuals affected with CASR-related conditions. This variant is not present in population databases (gnomAD no frequency). This sequence change replaces threonine, which is neutral and polar, with alanine, which is neutral and non-polar, at codon 138 of the CASR protein (p.Thr138Ala). In summary, the available evidence is currently insufficient to determine the role of this variant in disease. Therefore, it has been classified as a Variant of Uncertain Significance. This variant disrupts the p.Thr138 amino acid residue in CASR. Other variant(s) that disrupt this residue have been determined to be pathogenic (PMID: 1302026, 7726161, 11889203, 22422767, 26963950, 32347971). This suggests that this residue is clinically significant, and that variants that disrupt this residue are likely to be disease-causing.

Literature cited by the submitters: PubMed 1302026; PubMed 7726161; PubMed 11889203; PubMed 22422767; PubMed 26963950; PubMed 32347971.